The following is an entry in ClinVar:

ClinVar aggregate classification (germline): Uncertain significance (1 of 4 stars; one submission).

Submission:

GeneDx
Classification: Uncertain significance. Last evaluated: 2025-02-24. Review status: criteria provided, single submitter. Criteria: GeneDx Variant Classification Process June 2021. Collection method: clinical testing. Allele origin: germline. Affected: yes.
Comment: Not observed at significant frequency in large population cohorts (gnomAD); In silico analysis supports that this missense variant has a deleterious effect on protein structure/function; In silico analysis supports a deleterious effect on splicing; Has not been previously published as pathogenic or benign to our knowledge; Not located in one of the three hot-spot regions of the RYR2 gene, where the majority of pathogenic missense variants occur (PMID: 19926015); This variant is associated with the following publications: (PMID: 19926015)

NM_001035.3(RYR2):c.6467A>T (p.Tyr2156Phe)

Gene: RYR2 (ryanodine receptor 2; plus strand). Cytogenetic location: 1q43.
Variant type: single nucleotide variant.
Coding change: c.6467A>T on transcript NM_001035.3 (MANE Select); coding-DNA position 6467, A replaced by T.
Protein change: p.Tyr2156Phe; replaces tyrosine 2156 with phenylalanine.
Molecular consequence: missense variant.
Genome position (GRCh38, 1-based): chr1:237,631,453, A>T. VCF-style: chr1-237631453-A-T. GRCh37 (hg19) VCF-style: chr1-237794753-A-T.
Other names: short protein forms Y2156F.
Identifiers: ClinVar variation 4076880 (VCV004076880.1).
Genomic context (GRCh38, chr1:237,631,453, plus strand): 5'-GAGCTTTACCCCATACGTCCATTGTCCTTTCTAGGGATATTATGAATAACAAAGTGTTTT[A>T]CCAGCACCCTAATCTCATGAGGGCACTGGGGATGCACGAGACTGTGATGGAGGTCATGGT-3'
Protein context (NP_001026.2, residues 2146-2166): LGDIMNNKVF[Tyr2156Phe]QHPNLMRALG